The following is an entry in ClinVar:

ClinVar aggregate classification (germline): Uncertain significance (1 of 4 stars; one submission).

Conditions:
Neuropathy, hereditary sensory, type 2C. Also called: Hereditary sensory and autonomic neuropathy type IIC; KIF1A-Related HSAN2 (HSAN2C). Identifiers: Orphanet 970, MedGen C3280168, MONDO:0013634, OMIM 614213.
Intellectual disability, autosomal dominant 9 (NESCAVS). Also called: NESCAV SYNDROME; KIF1A-Related Neurodevelopmental Disorder. Identifiers: Orphanet 662367, MedGen C5393830, MONDO:0013656, OMIM 614255.
Hereditary spastic paraplegia 30. Identifiers: Orphanet 101010, MedGen C5235139, MONDO:0012476.

Allele frequency attached by ClinVar (database versions not stated): TOPMed 0.00002.
gnomAD v4.1: 2 of 1,610,360 alleles (0.00012%); highest among the groups gnomAD compares: Non-Finnish European, 0.00017%; no homozygotes.

Submission:

Labcorp Genetics (formerly Invitae), Labcorp
Classification: Uncertain significance for Hereditary spastic paraplegia 30; Neuropathy, hereditary sensory, type 2C; Intellectual disability, autosomal dominant 9. Last evaluated: 2021-09-30. Review status: criteria provided, single submitter. Criteria: Invitae Variant Classification Sherloc (09022015). Collection method: clinical testing. Allele origin: germline.
Comment: This sequence change affects codon 1235 of the KIF1A mRNA. It is a 'silent' change, meaning that it does not change the encoded amino acid sequence of the KIF1A protein. This variant is not present in population databases (ExAC no frequency). This variant has not been reported in the literature in individuals with KIF1A-related disease. ClinVar contains an entry for this variant (Variation ID: 464241). Algorithms developed to predict the effect of sequence changes on RNA splicing suggest that this variant is not likely to affect RNA splicing, but this prediction has not been confirmed by published transcriptional studies. In summary, the available evidence is currently insufficient to determine the role of this variant in disease. Therefore, it has been classified as a Variant of Uncertain Significance.

NM_001244008.2(KIF1A):c.4006C>A (p.Arg1336=)

Gene: KIF1A (kinesin family member 1A; minus strand). Cytogenetic location: 2q37.3.
Variant type: single nucleotide variant.
Coding change: c.4006C>A on transcript NM_001244008.2 (MANE Select); coding-DNA position 4006, C replaced by A.
Protein change: p.Arg1336=; no amino-acid change (arginine 1336 retained).
Molecular consequence: synonymous variant. On other transcripts: missense variant (4).
Genome position (GRCh38, 1-based): chr2:240,737,064, G>T on the plus strand (C>A on the coding strand, the complement: KIF1A is on the minus strand). VCF-style: chr2-240737064-G-T. GRCh37 (hg19) VCF-style: chr2-241676481-G-T.
Other names: c.3730C>A, p.Arg1244= (NM_001320705.2, NM_001330289.2); c.3805C>A, p.Arg1269= (NM_001330290.2, NM_001379634.1); c.4081C>A, p.Arg1361= (NM_001379631.1); c.3955C>A, p.Arg1319= (NM_001379632.1); c.3979C>A, p.Arg1327= (NM_001379633.1, NM_001379642.1, NM_001379645.1); c.3805C>A, p.Arg1269Ser (NM_001379635.1, NM_001379646.1); c.3817C>A, p.Arg1273= (NM_001379636.1); c.3778C>A, p.Arg1260= (NM_001379637.1, NM_001379648.1); and 4 more; short protein forms R1235S, R1244S, R1269S.
Identifiers: ClinVar variation 464241 (VCV000464241.6), dbSNP rs367883171, ClinGen allele CA351312365.